The following is an entry in ClinVar:

NM_006348.5(COG5):c.1196A>G (p.Tyr399Cys)

Gene: COG5 (component of oligomeric golgi complex 5; minus strand). Cytogenetic location: 7q22.3.
Variant type: single nucleotide variant.
Coding change: c.1196A>G on transcript NM_006348.5 (MANE Select); coding-DNA position 1196, A replaced by G.
Protein change: p.Tyr399Cys; replaces tyrosine 399 with cysteine.
Molecular consequence: missense variant.
Genome position (GRCh38, 1-based): chr7:107,298,259, T>C on the plus strand (A>G on the coding strand, the complement: COG5 is on the minus strand). VCF-style: chr7-107298259-T-C. GRCh37 (hg19) VCF-style: chr7-106938704-T-C.
Other names: c.1196A>G, p.Tyr399Cys (NM_001161520.2, NM_001379511.1, NM_001379512.1 and 3 more transcripts); c.626A>G, p.Tyr209Cys (NM_001379515.1); c.482A>G, p.Tyr161Cys (NM_001379516.1); c.1289A>G (NM_006348.3); short protein forms Y161C, Y209C, Y399C.
Identifiers: ClinVar variation 2416345 (VCV002416345.3), dbSNP rs750191263, ClinGen allele CA4430981.

ClinVar aggregate classification (germline): Uncertain significance. Review status: criteria provided, multiple submitters, no conflicts (2 of 4 stars). 2 submissions from 2 submitters: Uncertain significance (2). Last evaluated 2025-04-02.

Conditions:
Inborn genetic diseases. Identifiers: MedGen C0950123, MeSH D030342.
COG5-congenital disorder of glycosylation. Also called: CDG IIi; COG5-CDG; CONGENITAL DISORDER OF GLYCOSYLATION, TYPE IIi. Identifiers: Orphanet 263487, MedGen C3150876, MONDO:0013325, OMIM 613612.

Allele frequency attached by ClinVar (database versions not stated): gnomAD exomes below 0.00001; ExAC 0.00001; gnomAD 0.00001; TOPMed 0.00002.
gnomAD v4.1: 7 of 1,613,264 alleles (0.00043%); highest among the groups gnomAD compares: African/African-American, 0.0027%; no homozygotes.

Submissions (2):

Ambry Genetics
Classification: Uncertain significance for Inborn genetic diseases. Last evaluated: 2025-04-02. Review status: criteria provided, single submitter. Criteria: Ambry Variant Classification Scheme 2023. Collection method: clinical testing. Allele origin: germline.

Labcorp Genetics (formerly Invitae), Labcorp
Classification: Uncertain significance for COG5-congenital disorder of glycosylation. Last evaluated: 2022-05-09. Review status: criteria provided, single submitter. Criteria: Invitae Variant Classification Sherloc (09022015). Collection method: clinical testing. Allele origin: germline.
Comment: This sequence change replaces tyrosine, which is neutral and polar, with cysteine, which is neutral and slightly polar, at codon 430 of the COG5 protein (p.Tyr430Cys). This variant is not present in population databases (gnomAD no frequency). This variant has not been reported in the literature in individuals affected with COG5-related conditions. Algorithms developed to predict the effect of missense changes on protein structure and function are either unavailable or do not agree on the potential impact of this missense change (SIFT: "Deleterious"; PolyPhen-2: "Possibly Damaging"; Align-GVGD: "Class C0"). In summary, the available evidence is currently insufficient to determine the role of this variant in disease. Therefore, it has been classified as a Variant of Uncertain Significance.